The following is an entry in ClinVar:

NM_000059.4(BRCA2):c.20_23del (p.Glu7fs)

Gene: BRCA2 (BRCA2 DNA repair associated; plus strand). Cytogenetic location: 13q13.1.
Variant type: Microsatellite.
Coding change: c.20_23del on transcript NM_000059.4 (MANE Select); coding-DNA positions 20 to 23, 4 bases deleted (AGAG; older notation c.20_23delAGAG).
Protein change: p.Glu7fs; shifts the reading frame from glutamic acid 7.
Molecular consequence: frameshift variant.
Genome position (GRCh38, 1-based): chr13:32,316,480-32,316,483, AGAG deleted; deleting any 4 consecutive bases within chr13:32,316,478-32,316,483 gives the same sequence; the c. name uses the placement nearest the transcript's 3' end. VCF-style (leftmost placement, unchanged base first): chr13-32316477-AAGAG-A. GRCh37 (hg19) VCF-style: chr13-32890614-AAGAG-A.
Other names: c.20_23delAGAG (NM_000059.3); short protein forms E7fs.
Identifiers: ClinVar variation 462252 (VCV000462252.8), dbSNP rs397507623, ClinGen allele CA658656320.
Genomic context (GRCh38, chr13:32,316,477, plus strand): 5'-TGCAGACTTATTTACCAAGCATTGGAGGAATATCGTAGGTAAAAATGCCTATTGGATCCA[AAGAG>A]AGGCCAACATTTTTTGAAATTTTTAAGACACGCTGCAACAAAGCAGGTATTGACAAATTT-3'

ClinVar aggregate classification (germline): Pathogenic. Review status: criteria provided, multiple submitters, no conflicts (2 of 4 stars). 2 submissions from 2 submitters: Pathogenic (2). Last evaluated 2022-12-19.

Conditions:
Hereditary breast ovarian cancer syndrome. Also called: Hereditary breast and ovarian cancer syndrome (HBOC); Hereditary breast and ovarian cancer syndrome; Breast and ovarian cancer; Hereditary breast and/or ovarian cancer syndrome; Hereditary breast and ovarian cancer; BRCA1- and BRCA2-Associated Hereditary Breast and Ovarian Cancer. Identifiers: Orphanet 145, MedGen C0677776, MeSH D061325, MONDO:0003582. Disease mechanism: loss of function.
Hereditary cancer-predisposing syndrome. Also called: Neoplastic Syndromes, Hereditary; Hereditary Cancer Syndrome; Hereditary neoplastic syndrome; Tumor predisposition. Identifiers: Orphanet 140162, MedGen C0027672, MeSH D009386, MONDO:0015356.

Submissions (2):

Ambry Genetics
Classification: Pathogenic for Hereditary cancer-predisposing syndrome. Last evaluated: 2022-12-19. Review status: criteria provided, single submitter. Criteria: Ambry Variant Classification Scheme 2023. Collection method: clinical testing. Allele origin: germline.
Comment: The c.20_23delAGAG pathogenic mutation, located in coding exon 1 of the BRCA2 gene, results from a deletion of 4 nucleotides at nucleotide positions 20 to 23, causing a translational frameshift with a predicted alternate stop codon (p.E7Gfs*17). This alteration is expected to result in loss of function by premature protein truncation or nonsense-mediated mRNA decay. As such, this alteration is interpreted as a disease-causing mutation.

Labcorp Genetics (formerly Invitae), Labcorp
Classification: Pathogenic for Hereditary breast ovarian cancer syndrome. Last evaluated: 2021-01-29. Review status: criteria provided, single submitter. Criteria: Invitae Variant Classification Sherloc (09022015). Collection method: clinical testing. Allele origin: germline.
Comment: For these reasons, this variant has been classified as Pathogenic. Loss-of-function variants in BRCA2 are known to be pathogenic (PMID: 20104584). This variant has not been reported in the literature in individuals with BRCA2-related disease. This variant is not present in population databases (ExAC no frequency). This sequence change creates a premature translational stop signal (p.Glu7Glyfs*17) in the BRCA2 gene. It is expected to result in an absent or disrupted protein product.

Literature cited by the submitters: PubMed 20104584 (cited by Labcorp Genetics (formerly Invitae), Labcorp).